The following is an entry in ClinVar:

ClinVar aggregate classification (germline): Benign. Review status: criteria provided, multiple submitters, no conflicts (2 of 4 stars). 10 submissions from 10 submitters: Benign (8). 2 of the submissions do not count toward it. Last evaluated 2026-02-04.

Conditions:
ALG1-congenital disorder of glycosylation. Also called: CDG Ik; ALG1-CDG; CONGENITAL DISORDER OF GLYCOSYLATION, TYPE Ik. Identifiers: Orphanet 79327, MedGen C2931005, MONDO:0012052, OMIM 608540.

Allele frequency attached by ClinVar (database versions not stated): ESP Exome Variant Server 0.46937; TOPMed 0.47214; gnomAD 0.48295 and 0.49098; 1000 Genomes Project 30x 0.51593; 1000 Genomes Project 0.51977; gnomAD exomes 0.52081; ExAC 0.52426.
gnomAD v4.1: 840,420 of 1,610,746 alleles (52%); highest among the groups gnomAD compares: South Asian, 65%; 221,887 homozygotes.

Submissions (10):

Labcorp Genetics (formerly Invitae), Labcorp
Classification: Benign for ALG1-congenital disorder of glycosylation. Last evaluated: 2026-02-04. Review status: criteria provided, single submitter. Criteria: Invitae Variant Classification Sherloc (09022015). Collection method: clinical testing. Allele origin: germline.

Blueprint Genetics
Classification: Benign. Last evaluated: 2024-11-27. Review status: criteria provided, single submitter. Criteria: ACMG Guidelines, 2015. Collection method: clinical testing. Allele origin: germline.

Mayo Clinic Laboratories, Mayo Clinic
Classification: Benign. Last evaluated: 2022-05-01. Review status: criteria provided, single submitter. Criteria: ACMG Guidelines, 2015. Collection method: clinical testing. Allele origin: germline. Observed: 251 variant alleles.

Women's Health and Genetics/Laboratory Corporation of America, LabCorp
Classification: Benign. Last evaluated: 2022-03-18. Review status: criteria provided, single submitter. Criteria: LabCorp Variant Classification Summary - May 2015. Collection method: clinical testing. Allele origin: germline.

Genome-Nilou Lab
Classification: Benign for ALG1-congenital disorder of glycosylation. Last evaluated: 2021-07-14. Review status: criteria provided, single submitter. Criteria: ACMG Guidelines, 2015. Collection method: clinical testing. Allele origin: germline. Affected: no.

Eurofins Ntd Llc (ga)
Classification: Benign. Last evaluated: 2018-01-31. Review status: criteria provided, single submitter. Criteria: EGL Classification Definitions 2015. Collection method: clinical testing. Allele origin: germline. Observed: 53 variant alleles, 39 heterozygotes, 14 homozygotes.

GeneDx
Classification: Benign. Last evaluated: 2015-12-04. Review status: criteria provided, single submitter. Criteria: GeneDx Variant Classification (06012015). Collection method: clinical testing. Allele origin: germline. Affected: yes.
Comment: This variant is considered likely benign or benign based on one or more of the following criteria: it is a conservative change, it occurs at a poorly conserved position in the protein, it is predicted to be benign by multiple in silico algorithms, and/or has population frequency not consistent with disease.

Breakthrough Genomics
Classification: Benign. Review status: criteria provided, single submitter. Criteria: ACMG Guidelines, 2015. Collection method: not provided. Allele origin: germline. Inheritance: Autosomal recessive inheritance. Affected: yes.

Diagnostic Laboratory, Department of Genetics, University Medical Center Groningen
Classification: Benign. Review status: no assertion criteria provided. Collection method: clinical testing. Allele origin: germline. Affected: yes. Study: VKGL Data-share Consensus. Not counted in ClinVar's aggregate classification.

Joint Genome Diagnostic Labs from Nijmegen and Maastricht, Radboudumc and MUMC+
Classification: Benign. Review status: no assertion criteria provided. Collection method: clinical testing. Allele origin: germline. Affected: yes. Study: VKGL Data-share Consensus. Not counted in ClinVar's aggregate classification.

NM_019109.5(ALG1):c.1149C>T (p.Phe383=)

Gene: ALG1 (ALG1 chitobiosyldiphosphodolichol beta-mannosyltransferase; plus strand). Cytogenetic location: 16p13.3.
Variant type: single nucleotide variant.
Coding change: c.1149C>T on transcript NM_019109.5 (MANE Select); coding-DNA position 1149, C replaced by T.
Protein change: p.Phe383=; no amino-acid change (phenylalanine 383 retained).
Molecular consequence: synonymous variant.
Genome position (GRCh38, 1-based): chr16:5,082,635, C>T. VCF-style: chr16-5082635-C-T. GRCh37 (hg19) VCF-style: chr16-5132636-C-T.
Other names: p.Phe383=; c.816C>T, p.Phe272= (NM_001330504.2).
Identifiers: ClinVar variation 95932 (VCV000095932.24), dbSNP rs1047732, ClinGen allele CA149055.